The following is an entry in ClinVar:

ClinVar aggregate classification (germline): Uncertain significance (1 of 4 stars; one submission).

gnomAD v4.1: 18 of 1,567,584 alleles (0.0011%); highest among the groups gnomAD compares: African/African-American, 0.0027%; no homozygotes.

Submission:

Labcorp Genetics (formerly Invitae), Labcorp
Classification: Uncertain significance. Last evaluated: 2026-01-02. Review status: criteria provided, single submitter. Criteria: Invitae Variant Classification Sherloc (09022015). Collection method: clinical testing. Allele origin: germline.
Comment: This sequence change affects a donor splice site in intron 24 of the GUCY2C gene. It is expected to disrupt RNA splicing. Variants that disrupt the donor or acceptor splice site typically lead to a loss of protein function (PMID: 16199547), however the current clinical and genetic evidence is not sufficient to establish whether loss-of-function variants in GUCY2C cause disease. This variant is present in population databases (rs370705365, gnomAD 0.01%). This variant has not been reported in the literature in individuals affected with GUCY2C-related conditions. ClinVar contains an entry for this variant (Variation ID: 3616211). Algorithms developed to predict the effect of sequence changes on RNA splicing suggest that this variant may disrupt the consensus splice site. In summary, the available evidence is currently insufficient to determine the role of this variant in disease. Therefore, it has been classified as a Variant of Uncertain Significance.

Literature cited by the submitters: PubMed 16199547.

NM_004963.4(GUCY2C):c.2875+1G>A

Genes: GUCY2C (guanylate cyclase 2C; minus strand), PLBD1-AS1 (PLBD1 antisense RNA 1; plus strand). Cytogenetic location: 12p12.3.
Variant type: single nucleotide variant.
Coding change: c.2875+1G>A on transcript NM_004963.4 (MANE Select); the canonical splice donor site of the intron after coding-DNA position 2875, G replaced by A.
Molecular consequence: splice donor variant. On other transcripts: non-coding transcript variant (1).
Genome position (GRCh38, 1-based): chr12:14,619,210, C>T on the plus strand (G>A on the coding strand, the complement: GUCY2C is on the minus strand). VCF-style: chr12-14619210-C-T. GRCh37 (hg19) VCF-style: chr12-14772144-C-T.
Identifiers: ClinVar variation 3616211 (VCV003616211.2).
Genomic context (GRCh38, chr12:14,619,210, plus strand): 5'-AGTTGCCCTCTGCTGGAAAACAGCATCTTTGTCCTCTGAGAAAAACAGTCTCCCTTCTTA[C>T]GGAGGCCAGTGGATTCCATCCTAGAGGCTGTGTTGACCGTATCTCCAAATAGACAATAAC-3'